The following is an entry in ClinVar:

NM_021939.4(FKBP10):c.1049G>C (p.Gly350Ala)

Gene: FKBP10 (FKBP prolyl isomerase 10; plus strand). Cytogenetic location: 17q21.2.
Variant type: single nucleotide variant.
Coding change: c.1049G>C on transcript NM_021939.4 (MANE Select); coding-DNA position 1049, G replaced by C.
Protein change: p.Gly350Ala; replaces glycine 350 with alanine.
Molecular consequence: missense variant.
Genome position (GRCh38, 1-based): chr17:41,819,661, G>C. VCF-style: chr17-41819661-G-C. GRCh37 (hg19) VCF-style: chr17-39975913-G-C.
Other names: short protein forms G350A.
Identifiers: ClinVar variation 2505593 (VCV002505593.1), dbSNP rs2544438333, ClinGen allele CA399516937.

ClinVar aggregate classification (germline): Uncertain significance (1 of 4 stars; one submission).

Submission:

GeneDx
Classification: Uncertain significance. Last evaluated: 2022-12-15. Review status: criteria provided, single submitter. Criteria: GeneDx Variant Classification Process June 2021. Collection method: clinical testing. Allele origin: germline. Affected: yes.
Comment: Not observed at significant frequency in large population cohorts (gnomAD); In silico analysis supports that this missense variant has a deleterious effect on protein structure/function; Has not been previously published as pathogenic or benign to our knowledge